The following is an entry in ClinVar:

NM_001267550.2(TTN):c.65517G>A (p.Ala21839=)

Genes: TTN (titin; minus strand), TTN-AS1 (TTN antisense RNA 1; plus strand). Cytogenetic location: 2q31.2.
Variant type: single nucleotide variant.
Coding change: c.65517G>A on transcript NM_001267550.2 (MANE Select); coding-DNA position 65517, G replaced by A.
Protein change: p.Ala21839=; no amino-acid change (alanine 21839 retained).
Molecular consequence: synonymous variant. On other transcripts: non-coding transcript variant (1).
Genome position (GRCh38, 1-based): chr2:178,583,665, C>T on the plus strand (G>A on the coding strand, the complement: TTN is on the minus strand). VCF-style: chr2-178583665-C-T. GRCh37 (hg19) VCF-style: chr2-179448392-C-T.
Other names: c.60594G>A, p.Ala20198= (NM_001256850.1); c.38322G>A, p.Ala12774= (NM_003319.4); c.57813G>A, p.Ala19271= (NM_133378.4); c.38697G>A, p.Ala12899= (NM_133432.3); c.38898G>A, p.Ala12966= (NM_133437.4).
Identifiers: ClinVar variation 467379 (VCV000467379.14), dbSNP rs1390911668, ClinGen allele CA430263274.

ClinVar aggregate classification (germline): Likely benign. Review status: criteria provided, multiple submitters, no conflicts (2 of 4 stars). 3 submissions from 3 submitters: Likely benign (3). Last evaluated 2026-02-05.

Conditions:
Cardiovascular phenotype. Identifiers: MedGen CN230736.
Autosomal recessive limb-girdle muscular dystrophy type 2J (LGMDR10). Also called: Limb-girdle muscular dystrophy, type 2J; MUSCULAR DYSTROPHY, LIMB-GIRDLE, AUTOSOMAL RECESSIVE 10. Identifiers: Orphanet 140922, MedGen C1837342, MONDO:0012127, OMIM 608807.
Dilated cardiomyopathy 1G (CMD1G). Identifiers: Orphanet 154, MedGen C1858763, MONDO:0011400, OMIM 604145.
TTN-related disorder. Also called: TTN-related condition; TTN-related disease; TTN-related disorders.

Allele frequency attached by ClinVar (database versions not stated): gnomAD exomes below 0.00001 and 0.00001.
gnomAD v4.1: 31 of 1,611,962 alleles (0.0019%); highest among the groups gnomAD compares: Middle Eastern, 0.017%; 1 homozygote.

Submissions (3):

PreventionGenetics, part of Exact Sciences
Classification: Likely benign for TTN-related condition. Last evaluated: 2026-02-05. Review status: criteria provided, single submitter. Criteria: ACMG Guidelines, 2015. Collection method: clinical testing. Allele origin: germline.
Comment: This variant is classified as likely benign based on ACMG/AMP sequence variant interpretation guidelines (Richards et al. 2015 PMID: 25741868, with internal and published modifications).

Ambry Genetics
Classification: Likely benign for Cardiovascular phenotype. Last evaluated: 2025-02-23. Review status: criteria provided, single submitter. Criteria: Ambry Variant Classification Scheme 2023. Collection method: clinical testing. Allele origin: germline.

Labcorp Genetics (formerly Invitae), Labcorp
Classification: Likely benign for Dilated cardiomyopathy 1G; Autosomal recessive limb-girdle muscular dystrophy type 2J. Last evaluated: 2024-11-15. Review status: criteria provided, single submitter. Criteria: Invitae Variant Classification Sherloc (09022015). Collection method: clinical testing. Allele origin: germline.